The following is an entry in ClinVar:

ClinVar aggregate classification (germline): Uncertain significance. Review status: criteria provided, multiple submitters, no conflicts (2 of 4 stars). 2 submissions from 2 submitters: Uncertain significance (2). Last evaluated 2026-08-27.

Conditions:
Hereditary cancer-predisposing syndrome. Also called: Neoplastic Syndromes, Hereditary; Hereditary neoplastic syndrome; Hereditary Cancer Syndrome; Tumor predisposition. Identifiers: Orphanet 140162, MedGen C0027672, MeSH D009386, MONDO:0015356.

Submissions (2):

Ambry Genetics
Classification: Uncertain significance for Hereditary cancer-predisposing syndrome. Last evaluated: 2026-08-27. Review status: criteria provided, single submitter. Criteria: Ambry Variant Classification Scheme 2023. Collection method: clinical testing. Allele origin: germline.
Comment: The p.N870K variant (also known as c.2610C>G), located in coding exon 23 of the POLE gene, results from a C to G substitution at nucleotide position 2610. The asparagine at codon 870 is replaced by lysine, an amino acid with similar properties. This amino acid position is conserved. In addition, this alteration is predicted to be tolerated by in silico analysis. Based on the available evidence, the clinical significance of this variant remains unclear.

Labcorp Genetics (formerly Invitae), Labcorp
Classification: Uncertain significance. Last evaluated: 2025-10-22. Review status: criteria provided, single submitter. Criteria: Invitae Variant Classification Sherloc (09022015). Collection method: clinical testing. Allele origin: germline.
Comment: This sequence change replaces asparagine, which is neutral and polar, with lysine, which is basic and polar, at codon 870 of the POLE protein (p.Asn870Lys). This variant is not present in population databases (gnomAD no frequency). This variant has not been reported in the literature in individuals affected with POLE-related conditions. ClinVar contains an entry for this variant (Variation ID: 473542). Invitae Evidence Modeling of protein sequence and biophysical properties (such as structural, functional, and spatial information, amino acid conservation, physicochemical variation, residue mobility, and thermodynamic stability) indicates that this missense variant is not expected to disrupt POLE protein function with a negative predictive value of 80%. In summary, the available evidence is currently insufficient to determine the role of this variant in disease. Therefore, it has been classified as a Variant of Uncertain Significance.

NM_006231.4(POLE):c.2610C>G (p.Asn870Lys)

Gene: POLE (DNA polymerase epsilon, catalytic subunit; minus strand). Cytogenetic location: 12q24.33.
Variant type: single nucleotide variant.
Coding change: c.2610C>G on transcript NM_006231.4 (MANE Select); coding-DNA position 2610, C replaced by G.
Protein change: p.Asn870Lys; replaces asparagine 870 with lysine.
Molecular consequence: missense variant.
Genome position (GRCh38, 1-based): chr12:132,664,100, G>C on the plus strand (C>G on the coding strand, the complement: POLE is on the minus strand). VCF-style: chr12-132664100-G-C. GRCh37 (hg19) VCF-style: chr12-133240686-G-C.
Other names: c.2610C>G (NM_006231.2); short protein forms N870K.
Identifiers: ClinVar variation 473542 (VCV000473542.11), dbSNP rs1057524008, ClinGen allele CA387395653.
Genomic context (GRCh38, chr12:132,664,100, plus strand): 5'-GATGGTCACTTTGGGCTTCTTCACATTGGTCGTCTTGAAGACAAAATTTTCTGGGAAGCT[G>C]TTGGGCAGGACGCACCATATACCATCTGTGTCCAGCTCTAAGGGCCTCCTTCAGAGAAAG-3'
Protein context (NP_006222.2, residues 860-880): DTDGIWCVLP[Asn870Lys]SFPENFVFKT